The following is an entry in ClinVar:

NM_018662.3(DISC1):c.1207A>C (p.Ser403Arg)

Genes: DISC1 (DISC1 scaffold protein; plus strand), TSNAX-DISC1 (TSNAX-DISC1 readthrough (NMD candidate); plus strand). Cytogenetic location: 1q42.2.
Variant type: single nucleotide variant.
Coding change: c.1207A>C on transcript NM_018662.3 (MANE Select); coding-DNA position 1207, A replaced by C.
Protein change: p.Ser403Arg; replaces serine 403 with arginine.
Molecular consequence: missense variant. On other transcripts: non-coding transcript variant (7), 3 prime UTR variant (1).
Genome position (GRCh38, 1-based): chr1:231,750,015, A>C. VCF-style: chr1-231750015-A-C. GRCh37 (hg19) VCF-style: chr1-231885761-A-C.
Other names: c.1207A>C, p.Ser403Arg (NM_001012957.2, NM_001012959.2, NM_001164538.2 and 11 more transcripts); c.1303A>C, p.Ser435Arg (NM_001164537.2); c.*66A>C (NM_001164555.2); c.157A>C, p.Ser53Arg (NM_001164556.2); short protein forms S53R, S403R, S435R.
Identifiers: ClinVar variation 4240797 (VCV004240797.2).

ClinVar aggregate classification (germline): Uncertain significance. Review status: criteria provided, multiple submitters, no conflicts (2 of 4 stars). 2 submissions from 2 submitters: Uncertain significance (2). Last evaluated 2025-07-31.

Conditions:
DISC1-related disorder. Also called: DISC1-related condition.

Submissions (2):

Ambry Genetics
Classification: Uncertain significance. Last evaluated: 2025-07-31. Review status: criteria provided, single submitter. Criteria: Ambry Variant Classification Scheme 2023. Collection method: clinical testing. Allele origin: germline.

PreventionGenetics, part of Exact Sciences
Classification: Uncertain significance for DISC1-related condition. Last evaluated: 2024-11-04. Review status: criteria provided, single submitter. Criteria: ACMG Guidelines, 2015. Collection method: clinical testing. Allele origin: germline.
Comment: The DISC1 c.1207A>C variant is predicted to result in the amino acid substitution p.Ser403Arg. To our knowledge, this variant has not been reported in the literature or in a large population database (gnomAD), indicating this variant is rare. At this time, the clinical significance of this variant is uncertain due to the absence of conclusive functional and genetic evidence.